The following is an entry in ClinVar:

NM_001378418.1(TCF20):c.4153A>G (p.Ile1385Val)

Gene: TCF20 (transcription factor 20; minus strand). Cytogenetic location: 22q13.2.
Variant type: single nucleotide variant.
Coding change: c.4153A>G on transcript NM_001378418.1 (MANE Select); coding-DNA position 4153, A replaced by G.
Protein change: p.Ile1385Val; replaces isoleucine 1385 with valine.
Molecular consequence: missense variant.
Genome position (GRCh38, 1-based): chr22:42,211,153, T>C on the plus strand (A>G on the coding strand, the complement: TCF20 is on the minus strand). VCF-style: chr22-42211153-T-C. GRCh37 (hg19) VCF-style: chr22-42607159-T-C.
Other names: c.4153A>G, p.Ile1385Val (NM_005650.4, NM_181492.3); short protein forms I1385V.
Identifiers: ClinVar variation 1922715 (VCV001922715.5), dbSNP rs758487201, ClinGen allele CA10266705.

ClinVar aggregate classification (germline): Uncertain significance (1 of 4 stars; one submission).

Allele frequency attached by ClinVar (database versions not stated): ExAC 0.00001; gnomAD 0.00001; gnomAD exomes 0.00002.
gnomAD v4.1: 24 of 1,614,072 alleles (0.0015%); highest among the groups gnomAD compares: Non-Finnish European, 0.0018%; no homozygotes.

Submission:

Labcorp Genetics (formerly Invitae), Labcorp
Classification: Uncertain significance. Last evaluated: 2024-10-30. Review status: criteria provided, single submitter. Criteria: Invitae Variant Classification Sherloc (09022015). Collection method: clinical testing. Allele origin: germline.
Comment: This sequence change replaces isoleucine, which is neutral and non-polar, with valine, which is neutral and non-polar, at codon 1385 of the TCF20 protein (p.Ile1385Val). This variant is present in population databases (rs758487201, gnomAD 0.004%). This variant has not been reported in the literature in individuals affected with TCF20-related conditions. ClinVar contains an entry for this variant (Variation ID: 1922715). An algorithm developed to predict the effect of missense changes on protein structure and function (PolyPhen-2) suggests that this variant is likely to be disruptive. In summary, the available evidence is currently insufficient to determine the role of this variant in disease. Therefore, it has been classified as a Variant of Uncertain Significance.